The following is an entry in ClinVar:

NM_004525.3(LRP2):c.1555C>T (p.Pro519Ser)

Gene: LRP2 (LDL receptor related protein 2; minus strand). Cytogenetic location: 2q31.1.
Variant type: single nucleotide variant.
Coding change: c.1555C>T on transcript NM_004525.3 (MANE Select); coding-DNA position 1555, C replaced by T.
Protein change: p.Pro519Ser; replaces proline 519 with serine.
Molecular consequence: missense variant.
Genome position (GRCh38, 1-based): chr2:169,279,382, G>A on the plus strand (C>T on the coding strand, the complement: LRP2 is on the minus strand). VCF-style: chr2-169279382-G-A. GRCh37 (hg19) VCF-style: chr2-170135892-G-A.
Other names: short protein forms P519S.
Identifiers: ClinVar variation 975594 (VCV000975594.16), dbSNP rs147981204, ClinGen allele CA1955540.
Genomic context (GRCh38, chr2:169,279,382, plus strand): 5'-GAGAGAAAATTCTAAAAATACAGGAATCAATATGTTTTCACATCACTTACCCAACAGTTG[G>A]GTCCACGGCAATTCCTCTAGGATGCCCCAAGTTTTCAGTTATAAGGGTAACCCGATAGCT-3'
Protein context (NP_004516.2, residues 509-529): LGHPRGIAVD[Pro519Ser]TVGYLFFSDW

ClinVar aggregate classification (germline): Uncertain significance. Review status: criteria provided, multiple submitters, no conflicts (2 of 4 stars). 6 submissions from 6 submitters: Uncertain significance (5). 1 of the submissions does not count toward it. Last evaluated 2026-01-05.

Conditions:
Donnai-Barrow syndrome. Also called: DBS/FOAR SYNDROME; FACIOOCULOACOUSTICORENAL SYNDROME. Identifiers: Orphanet 2143, MedGen C1857277, MONDO:0009104, OMIM 222448.
Intellectual disability. Also called: Intellectual functioning disability; Intellectual developmental disorder; intellectual disabilities. Identifiers: MedGen C3714756, MeSH D008607, MONDO:0001071, HP:0001249.
Inborn genetic diseases. Identifiers: MedGen C0950123, MeSH D030342.

Allele frequency attached by ClinVar (database versions not stated): gnomAD exomes 0.00002 and 0.00006; gnomAD 0.00016 and 0.00019; TOPMed 0.00019; ESP Exome Variant Server 0.00023; ExAC 0.00007.
gnomAD v4.1: 46 of 1,612,900 alleles (0.0029%); highest among the groups gnomAD compares: African/African-American, 0.055%; no homozygotes.

Submissions (6):

Dasa
Classification: Uncertain significance. Last evaluated: 2026-01-05. Review status: criteria provided, single submitter. Criteria: DASA Assertion Criteria. Collection method: clinical testing. Allele origin: germline.
Comment: NM_004525.3(LRP2):c.1555C>T (p.Pro519Ser) is a missense variant that results in the substitution of proline with serine. This variant is rare in population databases. Computational prediction algorithms are consistent with a deleterious effect. The currently available literature and clinical evidence are not sufficient to establish a definitive association between this variant and the reported condition. Therefore, this variant is classified as a variant of uncertain significance.

Fulgent Genetics
Classification: Uncertain significance for Donnai-Barrow syndrome. Last evaluated: 2024-05-10. Review status: criteria provided, single submitter. Criteria: ACMG Guidelines, 2015. Collection method: clinical testing. Allele origin: germline.

Labcorp Genetics (formerly Invitae), Labcorp
Classification: Uncertain significance. Last evaluated: 2022-10-24. Review status: criteria provided, single submitter. Criteria: Invitae Variant Classification Sherloc (09022015). Collection method: clinical testing. Allele origin: germline.
Comment: This sequence change replaces proline, which is neutral and non-polar, with serine, which is neutral and polar, at codon 519 of the LRP2 protein (p.Pro519Ser). This variant is present in population databases (rs147981204, gnomAD 0.07%). This variant has not been reported in the literature in individuals affected with LRP2-related conditions. ClinVar contains an entry for this variant (Variation ID: 975594). Advanced modeling of protein sequence and biophysical properties (such as structural, functional, and spatial information, amino acid conservation, physicochemical variation, residue mobility, and thermodynamic stability) performed at Invitae indicates that this missense variant is expected to disrupt LRP2 protein function. In summary, the available evidence is currently insufficient to determine the role of this variant in disease. Therefore, it has been classified as a Variant of Uncertain Significance.

Ambry Genetics
Classification: Uncertain significance for Inborn genetic diseases. Last evaluated: 2021-10-26. Review status: criteria provided, single submitter. Criteria: Ambry Variant Classification Scheme 2023. Collection method: clinical testing. Allele origin: germline.

Blueprint Genetics
Classification: Uncertain significance. Last evaluated: 2021-03-17. Review status: criteria provided, single submitter. Criteria: ACMG Guidelines, 2015. Collection method: clinical testing. Allele origin: germline.

Centre de Biologie Pathologie Génétique, Centre Hospitalier Universitaire de Lille
Classification: Likely benign for Intellectual disability. Last evaluated: 2019-01-01. Review status: no assertion criteria provided. Collection method: clinical testing. Allele origin: inherited. Affected: yes. Not counted in ClinVar's aggregate classification.